The following is an entry in ClinVar:

NM_000760.4(CSF3R):c.1958A>G (p.Asn653Ser)

Gene: CSF3R (colony stimulating factor 3 receptor; minus strand). Cytogenetic location: 1p34.3.
Variant type: single nucleotide variant.
Coding change: c.1958A>G on transcript NM_000760.4 (MANE Select); coding-DNA position 1958, A replaced by G.
Protein change: p.Asn653Ser; replaces asparagine 653 with serine.
Molecular consequence: missense variant.
Genome position (GRCh38, 1-based): chr1:36,467,558, T>C on the plus strand (A>G on the coding strand, the complement: CSF3R is on the minus strand). VCF-style: chr1-36467558-T-C. GRCh37 (hg19) VCF-style: chr1-36933159-T-C.
Other names: c.1958A>G, p.Asn653Ser (NM_156039.3, NM_172313.3); short protein forms N653S.
Identifiers: ClinVar variation 4991956 (VCV004991956.1).

ClinVar aggregate classification (germline): Uncertain significance (1 of 4 stars; one submission).

Conditions:
CSF3R-related disorder. Also called: CSF3R-related condition.

Submission:

PreventionGenetics, part of Exact Sciences
Classification: Uncertain significance for CSF3R-related condition. Last evaluated: 2025-10-22. Review status: criteria provided, single submitter. Criteria: ACMG Guidelines, 2015. Collection method: clinical testing. Allele origin: germline.
Comment: The CSF3R c.1958A>G variant is predicted to result in the amino acid substitution p.Asn653Ser. To our knowledge, this variant has not been reported in the literature or in a large population database (gnomAD), indicating this variant is rare. At this time, the clinical significance of this variant is uncertain due to the absence of conclusive functional and genetic evidence.